The following is an entry in ClinVar:

ClinVar aggregate classification (germline): Pathogenic (0 of 4 stars; one submission).

Conditions:
Polycystic kidney disease. Also called: Polycystic kidney dysplasia; Kidney, Polycystic. Identifiers: MedGen C0022680, MeSH D007690, MONDO:0020642, HP:0000113.

Submission:

Department of Pathology and Laboratory Medicine, Sinai Health System
Classification: Pathogenic for Polycystic Kidney disease. Review status: no assertion criteria provided. Collection method: clinical testing. Allele origin: unknown. Affected: yes. Observed: 1 variant allele. Study: The Canadian Open Genetics Repository (COGR).
Comment: The PKD1 p.Phe1683Alafs*86 variant was not identified in the literature nor was it identified in the dbSNP, ClinVar, GeneInsight-COGR, LOVD 3.0, ADPKD Mutation Database and PKD1-LOVD, database. The variant was not identified in the following control databases: the 1000 Genomes Project, the NHLBI GO Exome Sequencing Project, the Exome Aggregation Consortium (August 8th 2016), or the Genome Aggregation Database (Feb 27, 2017). The c.5047_5051del variant is predicted to cause a frameshift, which alters the protein amino acid sequence beginning at codon 1683 and leads to a premature stop codon 86 codons downstream. This alteration is then predicted to result in a truncated or absent protein and loss of function. Loss of function variants of the PKD1 gene are an established mechanism of disease in ADPKD and is the type of variant expected to cause the disorder. In summary, based on the above information this variant meets our laboratoryâ€šÃ„Ã´s criteria to be classified as pathogenic.

NM_001009944.3(PKD1):c.5047_5051del (p.Phe1683fs)

Gene: PKD1 (polycystin 1, transient receptor potential channel interacting; minus strand). Cytogenetic location: 16p13.3.
Variant type: Deletion.
Coding change: c.5047_5051del on transcript NM_001009944.3 (MANE Select); coding-DNA positions 5047 to 5051, 5 bases deleted (TTCTC; older notation c.5047_5051delTTCTC).
Protein change: p.Phe1683fs; shifts the reading frame from phenylalanine 1683.
Molecular consequence: frameshift variant.
Genome position (GRCh38, 1-based): chr16:2,110,116-2,110,120, GAGAA deleted on the plus strand (TTCTC on the coding strand, the reverse complement: PKD1 is on the minus strand); deleting any 5 consecutive bases within chr16:2,110,116-2,110,121 gives the same sequence; the c. name uses the placement nearest the transcript's 3' end. VCF-style (leftmost placement, unchanged base first): chr16-2110115-CGAGAA-C. GRCh37 (hg19) VCF-style: chr16-2160116-CGAGAA-C.
Other names: c.5047_5051del, p.Phe1683fs (NM_000296.4); short protein forms F1683fs.
Identifiers: ClinVar variation 997338 (VCV000997338.1), dbSNP rs2092460746, ClinGen allele CA2202046709.
Genomic context (GRCh38, chr16:2,110,115, plus strand): 5'-GCCCAGCATGTTGGTGGCCCGCAGCTGCACATGGTAGGTGCCGGCCTCGAGCACGGTGAG[CGAGAA>C]GCCTTTGCCGCTGCCGGCCAGGGCCGGGCCCCTGTCCCTCCAGGCAGTCCAGCTGTAGGA-3'